The following is an entry in ClinVar:

ClinVar aggregate classification (germline): Conflicting classifications of pathogenicity. Review status: criteria provided, conflicting classifications (1 of 4 stars). 3 submissions from 3 submitters: Uncertain significance (1); Likely benign (1). 1 of the submissions does not count toward it. Last evaluated 2026-08-26.

Conditions:
Hereditary cancer-predisposing syndrome. Also called: Neoplastic Syndromes, Hereditary; Hereditary neoplastic syndrome; Hereditary Cancer Syndrome; Tumor predisposition. Identifiers: Orphanet 140162, MedGen C0027672, MeSH D009386, MONDO:0015356.
Hereditary breast ovarian cancer syndrome. Also called: BRCA1- and BRCA2-Associated Hereditary Breast and Ovarian Cancer; Hereditary breast and ovarian cancer syndrome (HBOC); Hereditary breast and ovarian cancer syndrome; Hereditary breast and/or ovarian cancer syndrome; Breast and ovarian cancer; Hereditary breast and ovarian cancer. Identifiers: Orphanet 145, MedGen C0677776, MeSH D061325, MONDO:0003582. Disease mechanism: loss of function.
Breast-ovarian cancer, familial, susceptibility to, 2 (BROVCA2). Also called: BRCA2 Hereditary Breast and Ovarian Cancer. Identifiers: Orphanet 145, MedGen C2675520, MONDO:0012933, OMIM 612555. Disease mechanism: loss of function.

Allele frequency attached by ClinVar (database versions not stated): gnomAD exomes below 0.00001.
gnomAD v4.1: 2 of 1,614,026 alleles (0.00012%); highest among the groups gnomAD compares: Non-Finnish European, 0.00017%; no homozygotes.

Submissions (3):

Ambry Genetics
Classification: Likely benign for Hereditary cancer-predisposing syndrome. Last evaluated: 2026-08-26. Review status: criteria provided, single submitter. Criteria: Ambry Variant Classification Scheme 2023. Collection method: clinical testing. Allele origin: germline.

Labcorp Genetics (formerly Invitae), Labcorp
Classification: Uncertain significance for Hereditary breast ovarian cancer syndrome. Last evaluated: 2022-10-01. Review status: criteria provided, single submitter. Criteria: Invitae Variant Classification Sherloc (09022015). Collection method: clinical testing. Allele origin: germline.
Comment: In summary, the available evidence is currently insufficient to determine the role of this variant in disease. Therefore, it has been classified as a Variant of Uncertain Significance. Algorithms developed to predict the effect of missense changes on protein structure and function are either unavailable or do not agree on the potential impact of this missense change (SIFT: "Deleterious"; PolyPhen-2: "Benign"; Align-GVGD: "Class C15"). ClinVar contains an entry for this variant (Variation ID: 52852). This variant has not been reported in the literature in individuals affected with BRCA2-related conditions. This variant is not present in population databases (gnomAD no frequency). This sequence change replaces glutamic acid, which is acidic and polar, with alanine, which is neutral and non-polar, at codon 3167 of the BRCA2 protein (p.Glu3167Ala).

Breast Cancer Information Core (BIC) (BRCA2)
Classification: Uncertain significance for Breast-ovarian cancer, familial 2. Last evaluated: 2002-06-20. Review status: no assertion criteria provided. Collection method: clinical testing. Allele origin: germline. Affected: yes. Observed: 1 variant allele. Not counted in ClinVar's aggregate classification.

Literature cited by the submitters: PubMed 39779857 (cited by Ambry Genetics).

NM_000059.4(BRCA2):c.9500A>C (p.Glu3167Ala)

Gene: BRCA2 (BRCA2 DNA repair associated; plus strand). Cytogenetic location: 13q13.1.
Variant type: single nucleotide variant.
Coding change: c.9500A>C on transcript NM_000059.4 (MANE Select); coding-DNA position 9500, A replaced by C.
Protein change: p.Glu3167Ala; replaces glutamic acid 3167 with alanine.
Molecular consequence: missense variant.
Genome position (GRCh38, 1-based): chr13:32,394,932, A>C. VCF-style: chr13-32394932-A-C. GRCh37 (hg19) VCF-style: chr13-32969069-A-C.
Other names: short protein forms E3167A.
Identifiers: ClinVar variation 52852 (VCV000052852.10), dbSNP rs80359223, ClinGen allele CA026181.
Genomic context (GRCh38, chr13:32,394,932, plus strand): 5'-CTGCTAGTCCAAAAGAGGGCCACTTTCAAGAGACATTCAACAAAATGAAAAATACTGTTG[A>C]GGTAAGGTTACTTTTCAGCATCACCACACATTTTGGTATTTTTCTATTTTGACAGTCCAG-3'
Protein context (NP_000050.3, residues 3157-3177): ETFNKMKNTV[Glu3167Ala]NIDILCNEAE